The following is an entry in ClinVar:

ClinVar aggregate classification (germline): Uncertain significance. Review status: criteria provided, multiple submitters, no conflicts (2 of 4 stars). 2 submissions from 2 submitters: Uncertain significance (2). Last evaluated 2024-12-23.

Conditions:
Inborn genetic diseases. Identifiers: MedGen C0950123, MeSH D030342.
Fanconi anemia (FA). Also called: Fanconi's anemia. Identifiers: Orphanet 84, MedGen C0015625, MeSH D005199, MONDO:0019391.

Allele frequency attached by ClinVar (database versions not stated): gnomAD exomes below 0.00001; gnomAD 0.00001.
gnomAD v4.1: 8 of 1,613,048 alleles (0.0005%); highest among the groups gnomAD compares: East Asian, 0.0022%; no homozygotes.

Submissions (2):

Ambry Genetics
Classification: Uncertain significance for Inborn genetic diseases. Last evaluated: 2024-12-23. Review status: criteria provided, single submitter. Criteria: Ambry Variant Classification Scheme 2023. Collection method: clinical testing. Allele origin: germline.
Comment: The p.R1773G variant (also known as c.5317A>G), located in coding exon 20 of the FANCM gene, results from an A to G substitution at nucleotide position 5317. The arginine at codon 1773 is replaced by glycine, an amino acid with dissimilar properties. This amino acid position is conserved. In addition, this alteration is predicted to be tolerated by in silico analysis. Based on the available evidence, the clinical significance of this variant remains unclear.

Labcorp Genetics (formerly Invitae), Labcorp
Classification: Uncertain significance for Fanconi anemia. Last evaluated: 2023-04-22. Review status: criteria provided, single submitter. Criteria: Invitae Variant Classification Sherloc (09022015). Collection method: clinical testing. Allele origin: germline.
Comment: This variant is present in population databases (no rsID available, gnomAD 0.06%). This variant has not been reported in the literature in individuals affected with FANCM-related conditions. ClinVar contains an entry for this variant (Variation ID: 1414825). Algorithms developed to predict the effect of missense changes on protein structure and function output the following: SIFT: "Not Available"; PolyPhen-2: "Benign"; Align-GVGD: "Not Available". The glycine amino acid residue is found in multiple mammalian species, which suggests that this missense change does not adversely affect protein function. In summary, the available evidence is currently insufficient to determine the role of this variant in disease. Therefore, it has been classified as a Variant of Uncertain Significance. This sequence change replaces arginine, which is basic and polar, with glycine, which is neutral and non-polar, at codon 1773 of the FANCM protein (p.Arg1773Gly).

NM_020937.4(FANCM):c.5317A>G (p.Arg1773Gly)

Gene: FANCM (FA complementation group M; plus strand). Cytogenetic location: 14q21.2.
Variant type: single nucleotide variant.
Coding change: c.5317A>G on transcript NM_020937.4 (MANE Select); coding-DNA position 5317, A replaced by G.
Protein change: p.Arg1773Gly; replaces arginine 1773 with glycine.
Molecular consequence: missense variant.
Genome position (GRCh38, 1-based): chr14:45,189,339, A>G. VCF-style: chr14-45189339-A-G. GRCh37 (hg19) VCF-style: chr14-45658542-A-G.
Other names: c.5239A>G, p.Arg1747Gly (NM_001308133.2); c.5317A>G (NM_020937.2); short protein forms R1773G, R1747G.
Identifiers: ClinVar variation 1414825 (VCV001414825.9), dbSNP rs1356723831, ClinGen allele CA389613308.